The following is an entry in ClinVar:

NM_006734.4(HIVEP2):c.5051G>A (p.Gly1684Glu)

Gene: HIVEP2 (HIVEP zinc finger 2; minus strand). Cytogenetic location: 6q24.2.
Variant type: single nucleotide variant.
Coding change: c.5051G>A on transcript NM_006734.4 (MANE Select); coding-DNA position 5051, G replaced by A.
Protein change: p.Gly1684Glu; replaces glycine 1684 with glutamic acid.
Molecular consequence: missense variant.
Genome position (GRCh38, 1-based): chr6:142,769,688, C>T on the plus strand (G>A on the coding strand, the complement: HIVEP2 is on the minus strand). VCF-style: chr6-142769688-C-T. GRCh37 (hg19) VCF-style: chr6-143090825-C-T.
Other names: short protein forms G1684E.
Identifiers: ClinVar variation 1697186 (VCV001697186.2), dbSNP rs1419907145, ClinGen allele CA365896011.

ClinVar aggregate classification (germline): Uncertain significance (1 of 4 stars; one submission).

gnomAD v4.1: 2 of 1,614,164 alleles (0.00012%); highest among the groups gnomAD compares: Non-Finnish European, 0.00017%; no homozygotes.

Submission:

GeneDx
Classification: Uncertain significance. Last evaluated: 2022-01-14. Review status: criteria provided, single submitter. Criteria: GeneDx Variant Classification Process June 2021. Collection method: clinical testing. Allele origin: germline. Affected: yes.
Comment: In silico analysis supports that this missense variant has a deleterious effect on protein structure/function; Has not been previously published as pathogenic or benign to our knowledge